The following is an entry in ClinVar:

ClinVar aggregate classification (germline): Pathogenic (1 of 4 stars; one submission).

Conditions:
Tuberous sclerosis 2 (TSC2). Identifiers: Orphanet 805, MedGen C1860707, MONDO:0013199, OMIM 613254.

Submission:

Clinical Genomics Laboratory, Washington University in St. Louis
Classification: Pathogenic for Tuberous sclerosis 2. Last evaluated: 2025-04-07. Review status: criteria provided, single submitter. Criteria: Leon-Quintero et al. (Clin Genet. 2025). Collection method: clinical testing. Allele origin: somatic. Affected: yes.
Comment: A TSC2 c.1371_1372delinsTT (p. Arg458*) variant was identified at an allelic fraction consistent with somatic origin. This variant is a dinucleotide substitution leading to a premature termination codon; which is predicted to lead to nonsense mediated decay. The same amino acid change, p.Arg458* due to a different nucleotide change (c.1372C>T) has been identified in several individuals with tuberous sclerosis (Roberts PS et al., PMID: 15121797; Dabora SL et al., PMID: 11112665; Qin W et al., PMID: 20633017; Ding Y et al., PMID: 34252879) and has been shown to segregate with disease in some families (Rose VM et al., PMID: 10090883; Cai Y et al., PMID: 28065512). It has also been reported in the ClinVar database as a germline pathogenic variant by eleven submitters (ClinVar variation ID: 49153). The TSC2 c.1371_1372delinsTT (p. Arg458*) variant is absent from the general population (gnomAD v.4.1.0), indicating it is not a common variant. Based on an internally developed protocol informed by the ACMG/AMP guidelines (Leon-Quintero FZ, et al., PMID: 39434542) and gene-specific practices from the ClinGen Criteria Specification Registry, the TSC2 c.1371_1372delinsTT (p. Arg458*) variant is classified as pathogenic.

NM_000548.5(TSC2):c.1371_1372delinsTT (p.Arg458Ter)

Gene: TSC2 (TSC complex subunit 2; plus strand). Cytogenetic location: 16p13.3.
Variant type: Indel.
Coding change: c.1371_1372delinsTT on transcript NM_000548.5 (MANE Select); coding-DNA positions 1371 to 1372, CC replaced by TT.
Protein change: p.Arg458Ter; replaces arginine 458 with a stop codon.
Molecular consequence: nonsense. On other transcripts: non-coding transcript variant (5), intron variant (1).
Genome position (GRCh38, 1-based): chr16:2,062,981-2,062,982, CC replaced by TT. VCF-style: chr16-2062981-CC-TT. GRCh37 (hg19) VCF-style: chr16-2112982-CC-TT.
Other names: c.1371_1372delinsTT, p.Arg458Ter (NM_001077183.3, NM_001114382.3, NM_001363528.2 and 6 more transcripts); c.1260_1261delinsTT, p.Arg421Ter (NM_001318827.2, NM_001406670.1, NM_001406678.1); c.1224_1225delinsTT, p.Arg409Ter (NM_001318829.2, NM_001406675.1, NM_001406676.1 and 1 more transcripts); c.771_772delinsTT, p.Arg258Ter (NM_001318831.2, NM_001406680.1, NM_001406682.1 and 6 more transcripts); c.1404_1405delinsTT, p.Arg469Ter (NM_001318832.2); c.1461_1462delinsTT, p.Arg488Ter (NM_001406667.1, NM_001406668.1); c.1359_1360delinsTT, p.Arg454Ter (NM_001406671.1, NM_001406673.1); c.1314_1315delinsTT, p.Arg439Ter (NM_001406677.1); and 3 more; short protein forms R10*, R258*, R304*, R409*, R421*, R439*, R454*, R458*.
Identifiers: ClinVar variation 4279972 (VCV004279972.1).